The following is an entry in ClinVar:

NM_001183.6(ATP6AP1):c.872G>A (p.Gly291Glu)

Gene: ATP6AP1 (ATPase H+ transporting accessory protein 1; plus strand). Cytogenetic location: Xq28.
Variant type: single nucleotide variant.
Coding change: c.872G>A on transcript NM_001183.6 (MANE Select); coding-DNA position 872, G replaced by A.
Protein change: p.Gly291Glu; replaces glycine 291 with glutamic acid.
Molecular consequence: missense variant.
Genome position (GRCh38, 1-based): chrX:154,434,395, G>A. VCF-style: chrX-154434395-G-A. GRCh37 (hg19) VCF-style: chrX-153662741-G-A.
Other names: short protein forms G291E.
Identifiers: ClinVar variation 3652951 (VCV003652951.2).

ClinVar aggregate classification (germline): Uncertain significance (1 of 4 stars; one submission).

Submission:

Labcorp Genetics (formerly Invitae), Labcorp
Classification: Uncertain significance. Last evaluated: 2024-05-10. Review status: criteria provided, single submitter. Criteria: Invitae Variant Classification Sherloc (09022015). Collection method: clinical testing. Allele origin: germline.
Comment: This sequence change replaces glycine, which is neutral and non-polar, with glutamic acid, which is acidic and polar, at codon 291 of the ATP6AP1 protein (p.Gly291Glu). This variant is not present in population databases (gnomAD no frequency). This variant has not been reported in the literature in individuals affected with ATP6AP1-related conditions. Advanced modeling of protein sequence and biophysical properties (such as structural, functional, and spatial information, amino acid conservation, physicochemical variation, residue mobility, and thermodynamic stability) performed at Invitae indicates that this missense variant is not expected to disrupt ATP6AP1 protein function with a negative predictive value of 80%. In summary, the available evidence is currently insufficient to determine the role of this variant in disease. Therefore, it has been classified as a Variant of Uncertain Significance.